The following is an entry in ClinVar:

ClinVar aggregate classification (germline): Benign/Likely benign. Review status: criteria provided, multiple submitters, no conflicts (2 of 4 stars). 3 submissions from 3 submitters: Benign (2); Likely benign (1). Last evaluated 2026-02-03.

Conditions:
Epilepsy, familial temporal lobe, 1. Identifiers: Orphanet 101046, MedGen CN030884, MONDO:0700090, OMIM 600512.

Allele frequency attached by ClinVar (database versions not stated): 1000 Genomes Project 0.00040; 1000 Genomes Project 30x 0.00062; gnomAD 0.00194 and 0.00219; ESP Exome Variant Server 0.00208; gnomAD exomes 0.00235 and 0.00264; ExAC 0.00244; TOPMed 0.00265.
gnomAD v4.1: 4,204 of 1,614,092 alleles (0.26%); highest among the groups gnomAD compares: Middle Eastern, 0.87%; 10 homozygotes.

Submissions (3):

Labcorp Genetics (formerly Invitae), Labcorp
Classification: Benign. Last evaluated: 2026-02-03. Review status: criteria provided, single submitter. Criteria: Invitae Variant Classification Sherloc (09022015). Collection method: clinical testing. Allele origin: germline.

CeGaT Center for Human Genetics Tuebingen
Classification: Benign. Last evaluated: 2022-04-01. Review status: criteria provided, single submitter. Criteria: CeGaT Center For Human Genetics Tuebingen Variant Classification Criteria Version 2. Collection method: clinical testing. Allele origin: germline. Affected: yes. Observed: 1 variant allele.
Comment: MICAL1: BS1, BS2

Fulgent Genetics
Classification: Likely benign for Epilepsy, familial temporal lobe, 1. Last evaluated: 2021-12-17. Review status: criteria provided, single submitter. Criteria: ACMG Guidelines, 2015. Collection method: clinical testing. Allele origin: unknown.

NM_022765.4(MICAL1):c.1599G>A (p.Leu533=)

Gene: MICAL1 (microtubule associated monooxygenase, calponin and LIM domain containing 1; minus strand). Cytogenetic location: 6q21.
Variant type: single nucleotide variant.
Coding change: c.1599G>A on transcript NM_022765.4 (MANE Select); coding-DNA position 1599, G replaced by A.
Protein change: p.Leu533=; no amino-acid change (leucine 533 retained).
Molecular consequence: synonymous variant.
Genome position (GRCh38, 1-based): chr6:109,448,797, C>T on the plus strand (G>A on the coding strand, the complement: MICAL1 is on the minus strand). VCF-style: chr6-109448797-C-T. GRCh37 (hg19) VCF-style: chr6-109770000-C-T.
Other names: c.1341G>A, p.Leu447= (NM_001159291.2); c.1656G>A, p.Leu552= (NM_001286613.2).
Identifiers: ClinVar variation 1639369 (VCV001639369.33), dbSNP rs142979809, ClinGen allele CA3953286.
Genomic context (GRCh38, chr6:109,448,797, plus strand): 5'-GCCAGGCTGCAGCCGGTACACCAGGGCACACAGAGCTAGCCCATCAGCCCAGGAGGAAGA[C>T]AAATCGGAGACGTGGACTCCCGGGTACCCAGCTGTCTGCTCCTGGCACCAGCGTAGCAGC-3'
Protein context (NP_073602.3, residues 523-543): AGYPGVHVSD[Leu533=]SSSWADGLAL